The following is an entry in ClinVar:

NM_001370259.2(MEN1):c.530T>C (p.Leu177Pro)

Gene: MEN1 (menin 1; minus strand). Cytogenetic location: 11q13.1.
Variant type: single nucleotide variant.
Coding change: c.530T>C on transcript NM_001370259.2 (MANE Select); coding-DNA position 530, T replaced by C.
Protein change: p.Leu177Pro; replaces leucine 177 with proline.
Molecular consequence: missense variant.
Genome position (GRCh38, 1-based): chr11:64,808,015, A>G on the plus strand (T>C on the coding strand, the complement: MEN1 is on the minus strand). VCF-style: chr11-64808015-A-G. GRCh37 (hg19) VCF-style: chr11-64575487-A-G.
Other names: c.545T>C, p.Leu182Pro (NM_000244.4, NM_130800.3, NM_130801.3 and 3 more transcripts); c.530T>C, p.Leu177Pro (NM_001370251.2, NM_001370260.2, NM_001370261.2 and 3 more transcripts); short protein forms L177P, L182P.
Identifiers: ClinVar variation 1059331 (VCV001059331.9), dbSNP rs2136154828, ClinGen allele CA381185924.

ClinVar aggregate classification (germline): Uncertain significance (1 of 4 stars; one submission).

Conditions:
Multiple endocrine neoplasia, type 1 (MEN1). Also called: MEN I; WERMER SYNDROME; Endocrine adenomatosis multiple; MEN 1; MEA I. Identifiers: Orphanet 652, MedGen C0025267, MeSH D018761, MONDO:0007540, OMIM 131100.

Allele frequency attached by ClinVar (database versions not stated): gnomAD exomes 0.00001.
gnomAD v4.1: 3 of 1,614,190 alleles (0.00019%); highest among the groups gnomAD compares: Non-Finnish European, 0.00025%; no homozygotes.

Submission:

Labcorp Genetics (formerly Invitae), Labcorp
Classification: Uncertain significance for Multiple endocrine neoplasia, type 1. Last evaluated: 2020-06-28. Review status: criteria provided, single submitter. Criteria: Invitae Variant Classification Sherloc (09022015). Collection method: clinical testing. Allele origin: germline.
Comment: This variant has been observed in individual(s) affected with multiple endocrine neoplasia type 1 (PMID: 16699310, 25527055). This variant is also known as c.545T>C9 (p.Leu182Pro) in the literature. In summary, the available evidence is currently insufficient to determine the role of this variant in disease. Therefore, it has been classified as a Variant of Uncertain Significance. Algorithms developed to predict the effect of missense changes on protein structure and function are either unavailable or do not agree on the potential impact of this missense change (SIFT: "Deleterious"; PolyPhen-2: "Benign"; Align-GVGD: "Class C0"). This variant is not present in population databases (ExAC no frequency). This sequence change replaces leucine with proline at codon 177 of the MEN1 protein (p.Leu177Pro). The leucine residue is highly conserved and there is a moderate physicochemical difference between leucine and proline.

Literature cited by the submitters: PubMed 16699310; PubMed 25527055.